The following is an entry in ClinVar:

ClinVar aggregate classification (germline): Uncertain significance (1 of 4 stars; one submission).

Conditions:
Charcot-Marie-Tooth disease type 2. Also called: Charcot-Marie-Tooth type 2. Identifiers: Orphanet 64746, MedGen C0270914, MONDO:0018993.

Allele frequency attached by ClinVar (database versions not stated): gnomAD exomes below 0.00001.
gnomAD v4.1: 1 of 1,614,138 alleles (0.000062%); highest among the groups gnomAD compares: East Asian, 0.0022%; no homozygotes.

Submission:

Labcorp Genetics (formerly Invitae), Labcorp
Classification: Uncertain significance for Charcot-Marie-Tooth disease type 2. Last evaluated: 2022-10-12. Review status: criteria provided, single submitter. Criteria: Invitae Variant Classification Sherloc (09022015). Collection method: clinical testing. Allele origin: germline.
Comment: In summary, the available evidence is currently insufficient to determine the role of this variant in disease. Therefore, it has been classified as a Variant of Uncertain Significance. Algorithms developed to predict the effect of sequence changes on RNA splicing suggest that this variant may create or strengthen a splice site. This variant has not been reported in the literature in individuals affected with KIF1B-related conditions. This variant is not present in population databases (gnomAD no frequency). This sequence change affects codon 1713 of the KIF1B mRNA. It is a 'silent' change, meaning that it does not change the encoded amino acid sequence of the KIF1B protein.

NM_001365951.3(KIF1B):c.5277G>A (p.Gln1759=)

Gene: KIF1B (kinesin family member 1B; plus strand). Cytogenetic location: 1p36.22.
Variant type: single nucleotide variant.
Coding change: c.5277G>A on transcript NM_001365951.3 (MANE Select); coding-DNA position 5277, G replaced by A.
Protein change: p.Gln1759=; no amino-acid change (glutamine 1759 retained).
Molecular consequence: synonymous variant.
Genome position (GRCh38, 1-based): chr1:10,375,034, G>A. VCF-style: chr1-10375034-G-A. GRCh37 (hg19) VCF-style: chr1-10435092-G-A.
Other names: c.5277G>A, p.Gln1759= (NM_001365952.1); c.5139G>A, p.Gln1713= (NM_015074.3).
Identifiers: ClinVar variation 2034977 (VCV002034977.4), dbSNP rs2102363484, ClinGen allele CA415888669.